The following is an entry in ClinVar:

NM_001283009.2(RTEL1):c.163A>G (p.Thr55Ala)

Genes: RTEL1 (regulator of telomere elongation helicase 1; plus strand), RTEL1-TNFRSF6B (RTEL1-TNFRSF6B readthrough (NMD candidate); plus strand). Cytogenetic location: 20q13.33.
Variant type: single nucleotide variant.
Coding change: c.163A>G on transcript NM_001283009.2 (MANE Select); coding-DNA position 163, A replaced by G.
Protein change: p.Thr55Ala; replaces threonine 55 with alanine.
Molecular consequence: missense variant. On other transcripts: non-coding transcript variant (1), 5 prime UTR variant (1).
Genome position (GRCh38, 1-based): chr20:63,661,358, A>G. VCF-style: chr20-63661358-A-G. GRCh37 (hg19) VCF-style: chr20-62292711-A-G.
Other names: c.-507A>G (NM_001283010.1); c.163A>G, p.Thr55Ala (NM_016434.4, NM_032957.5); short protein forms T55A.
Identifiers: ClinVar variation 2174761 (VCV002174761.4), dbSNP rs749033086, ClinGen allele CA409657854.

ClinVar aggregate classification (germline): Uncertain significance (1 of 4 stars; one submission).

Conditions:
Pulmonary fibrosis and/or bone marrow failure, Telomere-related, 3. Also called: PULMONARY FIBROSIS AND/OR BONE MARROW FAILURE SYNDROME, TELOMERE-RELATED, 3. Identifiers: Orphanet 2032, MedGen C4225346, MONDO:0014613, OMIM 616373.
Dyskeratosis congenita, autosomal recessive 5 (DKCB5). Identifiers: MedGen C3554656, MONDO:0014076, OMIM 615190.

Allele frequency attached by ClinVar (database versions not stated): TOPMed below 0.00001.

Submission:

Labcorp Genetics (formerly Invitae), Labcorp
Classification: Uncertain significance for Dyskeratosis congenita, autosomal recessive 5; Pulmonary fibrosis and/or bone marrow failure, Telomere-related, 3. Last evaluated: 2023-08-17. Review status: criteria provided, single submitter. Criteria: Invitae Variant Classification Sherloc (09022015). Collection method: clinical testing. Allele origin: germline.
Comment: In summary, the available evidence is currently insufficient to determine the role of this variant in disease. Therefore, it has been classified as a Variant of Uncertain Significance. Algorithms developed to predict the effect of missense changes on protein structure and function output the following: SIFT: "Not Available"; PolyPhen-2: "Benign"; Align-GVGD: "Not Available". The alanine amino acid residue is found in multiple mammalian species, which suggests that this missense change does not adversely affect protein function. ClinVar contains an entry for this variant (Variation ID: 2174761). This variant has not been reported in the literature in individuals affected with RTEL1-related conditions. This variant is not present in population databases (gnomAD no frequency). This sequence change replaces threonine, which is neutral and polar, with alanine, which is neutral and non-polar, at codon 55 of the RTEL1 protein (p.Thr55Ala).